The following is an entry in ClinVar:

ClinVar aggregate classification (germline): Pathogenic (1 of 4 stars; one submission).

Submission:

Labcorp Genetics (formerly Invitae), Labcorp
Classification: Pathogenic. Last evaluated: 2023-08-25. Review status: criteria provided, single submitter. Criteria: Invitae Variant Classification Sherloc (09022015). Collection method: clinical testing. Allele origin: germline.
Comment: This variant has not been reported in the literature in individuals affected with ERCC2-related conditions. For these reasons, this variant has been classified as Pathogenic. This variant disrupts a region of the ERCC2 protein in which other variant(s) (p.Arg722Trp ) have been determined to be pathogenic (PMID: 31282071, 31803976). This suggests that this is a clinically significant region of the protein, and that variants that disrupt it are likely to be disease-causing. This variant is not present in population databases (gnomAD no frequency). This sequence change results in a frameshift in the ERCC2 gene (p.Val664Glyfs*109). While this is not anticipated to result in nonsense mediated decay, it is expected to disrupt the last 97 amino acid(s) of the ERCC2 protein and extend the protein by 11 additional amino acid residues.

Literature cited by the submitters: PubMed 31282071; PubMed 31803976.

NM_000400.4(ERCC2):c.1991_1992del (p.Val664fs)

Gene: ERCC2 (ERCC excision repair 2, TFIIH core complex helicase subunit; minus strand). Cytogenetic location: 19q13.32.
Variant type: Microsatellite.
Coding change: c.1991_1992del on transcript NM_000400.4 (MANE Select); coding-DNA positions 1991 to 1992, 2 bases deleted (TG; older notation c.1991_1992delTG).
Protein change: p.Val664fs; shifts the reading frame from valine 664.
Molecular consequence: frameshift variant.
Genome position (GRCh38, 1-based): chr19:45,352,560-45,352,561, CA deleted on the plus strand (TG on the coding strand, the reverse complement: ERCC2 is on the minus strand); deleting any 2 consecutive bases within chr19:45,352,560-45,352,566 gives the same sequence; the c. name uses the placement nearest the transcript's 3' end. VCF-style (leftmost placement, unchanged base first): chr19-45352559-CCA-C. GRCh37 (hg19) VCF-style: chr19-45855817-CCA-C.
Other names: short protein forms V664fs.
Identifiers: ClinVar variation 2904969 (VCV002904969.3), dbSNP rs1287663770, ClinGen allele CA882715393.